The following is an entry in ClinVar:

NM_015450.3(POT1):c.101C>G (p.Pro34Arg)

Gene: POT1 (protection of telomeres 1; minus strand). Cytogenetic location: 7q31.33.
Variant type: single nucleotide variant.
Coding change: c.101C>G on transcript NM_015450.3 (MANE Select); coding-DNA position 101, C replaced by G.
Protein change: p.Pro34Arg; replaces proline 34 with arginine.
Molecular consequence: missense variant. On other transcripts: 5 prime UTR variant (1), non-coding transcript variant (3).
Genome position (GRCh38, 1-based): chr7:124,892,289, G>C on the plus strand (C>G on the coding strand, the complement: POT1 is on the minus strand). VCF-style: chr7-124892289-G-C. GRCh37 (hg19) VCF-style: chr7-124532343-G-C.
Other names: c.-162C>G (NM_001042594.2); short protein forms P34R.
Identifiers: ClinVar variation 938475 (VCV000938475.10), dbSNP rs1796390766, ClinGen allele CA369066017.

ClinVar aggregate classification (germline): Uncertain significance (1 of 4 stars; one submission).

Conditions:
Tumor predisposition syndrome 3 (TPDS3). Also called: Glioma susceptibility 9; LONG TELOMERE SYNDROME, POT1-RELATED; POT1 Tumor Predisposition; Melanoma, cutaneous malignant, susceptibility to, 10. Identifiers: Orphanet 618, MedGen C4014476, MONDO:0014368, OMIM 615848.

Submission:

Labcorp Genetics (formerly Invitae), Labcorp
Classification: Uncertain significance for Tumor predisposition syndrome 3. Last evaluated: 2023-07-17. Review status: criteria provided, single submitter. Criteria: Invitae Variant Classification Sherloc (09022015). Collection method: clinical testing. Allele origin: germline.
Comment: This sequence change replaces proline, which is neutral and non-polar, with arginine, which is basic and polar, at codon 34 of the POT1 protein (p.Pro34Arg). This variant is not present in population databases (gnomAD no frequency). This variant has not been reported in the literature in individuals affected with POT1-related conditions. ClinVar contains an entry for this variant (Variation ID: 938475). Advanced modeling of protein sequence and biophysical properties (such as structural, functional, and spatial information, amino acid conservation, physicochemical variation, residue mobility, and thermodynamic stability) performed at Invitae indicates that this missense variant is not expected to disrupt POT1 protein function. In summary, the available evidence is currently insufficient to determine the role of this variant in disease. Therefore, it has been classified as a Variant of Uncertain Significance.